The following is an entry in ClinVar:

ClinVar aggregate classification (germline): Uncertain significance. Review status: criteria provided, multiple submitters, no conflicts (2 of 4 stars). 4 submissions from 4 submitters: Uncertain significance (4). Last evaluated 2026-07-07.

Conditions:
Familial thoracic aortic aneurysm and aortic dissection (TAAD). Also called: Thoracic aortic aneurysms and dissections. Identifiers: Orphanet 91387, MedGen C4707243, MONDO:0019625.

Allele frequency attached by ClinVar (database versions not stated): gnomAD exomes below 0.00001; TOPMed below 0.00001; ExAC 0.00001; gnomAD 0.00001; 1000 Genomes Project 30x 0.00016; 1000 Genomes Project 0.00020.
gnomAD v4.1: 2 of 1,614,124 alleles (0.00012%); highest among the groups gnomAD compares: South Asian, 0.0022%; no homozygotes.

Submissions (4):

Ambry Genetics
Classification: Uncertain significance for Familial thoracic aortic aneurysm and aortic dissection. Last evaluated: 2026-07-07. Review status: criteria provided, single submitter. Criteria: Ambry Variant Classification Scheme 2023. Collection method: clinical testing. Allele origin: germline.
Comment: The p.L1496V variant (also known as c.4486T>G), located in coding exon 31 of the MYH11 gene, results from a T to G substitution at nucleotide position 4486. The leucine at codon 1496 is replaced by valine, an amino acid with highly similar properties. This amino acid position is conserved. In addition, this alteration is predicted to be tolerated by in silico analysis. Based on the available evidence, the clinical significance of this variant remains unclear.

CeGaT Center for Human Genetics Tuebingen
Classification: Uncertain significance. Last evaluated: 2024-06-01. Review status: criteria provided, single submitter. Criteria: CeGaT Center For Human Genetics Tuebingen Variant Classification Criteria Version 2. Collection method: clinical testing. Allele origin: germline. Affected: yes. Observed: 1 variant allele.
Comment: MYH11: PM2

Color Diagnostics, LLC DBA Color Health
Classification: Uncertain significance for Familial thoracic aortic aneurysm and aortic dissection. Last evaluated: 2024-03-06. Review status: criteria provided, single submitter. Criteria: ACMG Guidelines, 2015. Collection method: clinical testing. Allele origin: germline.
Comment: This missense variant replaces leucine with valine at codon 1503 of the MYH11 protein. Computational prediction suggests that this variant may not impact protein structure and function (internally defined REVEL score threshold <= 0.5, PMID: 27666373). To our knowledge, functional studies have not been reported for this variant. This variant has not been reported in individuals affected with MYH11-related disorders in the literature. This variant has been identified in 1/251488 chromosomes in the general population by the Genome Aggregation Database (gnomAD). The available evidence is insufficient to determine the role of this variant in disease conclusively. Therefore, this variant is classified as a Variant of Uncertain Significance.

All of Us Research Program, National Institutes of Health
Classification: Uncertain significance for Familial thoracic aortic aneurysm and aortic dissection. Last evaluated: 2023-06-26. Review status: criteria provided, single submitter. Criteria: ACMG Guidelines, 2015. Collection method: clinical testing. Allele origin: germline. Inheritance: Autosomal dominant inheritance. Observed: 1 variant allele, 1 heterozygote.
Comment: This missense variant replaces leucine with valine at codon 1503 of the MYH11 protein. Computational prediction suggests that this variant may not impact protein structure and function (internally defined REVEL score threshold <= 0.5, PMID: 27666373). To our knowledge, functional studies have not been reported for this variant. This variant has not been reported in individuals affected with cardiovascular disorders in the literature. This variant has been identified in 1/251488 chromosomes in the general population by the Genome Aggregation Database (gnomAD). The available evidence is insufficient to determine the role of this variant in disease conclusively. Therefore, this variant is classified as a Variant of Uncertain Significance.

This study involves interpretation of variants in research participants for the purpose of population health screening. Participant phenotype was not available at the time of variant classification. Additional details can be found in publication PMID: 35346344, PMCID: PMC8962531

NM_002474.3(MYH11):c.4486T>G (p.Leu1496Val)

Genes: MYH11 (myosin heavy chain 11; minus strand), NDE1 (nudE neurodevelopment protein 1; plus strand). Cytogenetic location: 16p13.11.
Variant type: single nucleotide variant.
Coding change: c.4486T>G on transcript NM_002474.3 (MANE Select); coding-DNA position 4486, T replaced by G.
Protein change: p.Leu1496Val; replaces leucine 1496 with valine.
Molecular consequence: missense variant. On other transcripts: intron variant (2).
Genome position (GRCh38, 1-based): chr16:15,721,514, A>C on the plus strand (T>G on the coding strand, the complement: MYH11 is on the minus strand). VCF-style: chr16-15721514-A-C. GRCh37 (hg19) VCF-style: chr16-15815371-A-C.
Other names: c.4507T>G, p.Leu1503Val (NM_001040113.2, NM_001040114.2); c.4486T>G, p.Leu1496Val (NM_022844.3); c.948-2677A>C (NM_001143979.2, NM_017668.3); c.4486T>G (NM_002474.2); short protein forms L1496V, L1503V.
Identifiers: ClinVar variation 923755 (VCV000923755.25), dbSNP rs568507502, ClinGen allele CA7921658.